The following is an entry in ClinVar:

ClinVar aggregate classification (germline): Uncertain significance (1 of 4 stars; one submission).

Conditions:
Hereditary cancer-predisposing syndrome. Also called: Tumor predisposition; Hereditary neoplastic syndrome; Hereditary Cancer Syndrome; Neoplastic Syndromes, Hereditary. Identifiers: Orphanet 140162, MedGen C0027672, MeSH D009386, MONDO:0015356.

Submission:

Ambry Genetics
Classification: Uncertain significance for Hereditary cancer-predisposing syndrome. Last evaluated: 2025-05-23. Review status: criteria provided, single submitter. Criteria: Ambry Variant Classification Scheme 2023. Collection method: clinical testing. Allele origin: germline.
Comment: The p.A2192T variant (also known as c.6574G>A), located in coding exon 47 of the POLE gene, results from a G to A substitution at nucleotide position 6574. The alanine at codon 2192 is replaced by threonine, an amino acid with similar properties. This amino acid position is conserved. In addition, this alteration is predicted to be tolerated by in silico analysis. Based on the available evidence, the clinical significance of this variant remains unclear.

NM_006231.4(POLE):c.6574G>A (p.Ala2192Thr)

Gene: POLE (DNA polymerase epsilon, catalytic subunit; minus strand). Cytogenetic location: 12q24.33.
Variant type: single nucleotide variant.
Coding change: c.6574G>A on transcript NM_006231.4 (MANE Select); coding-DNA position 6574, G replaced by A.
Protein change: p.Ala2192Thr; replaces alanine 2192 with threonine.
Molecular consequence: missense variant.
Genome position (GRCh38, 1-based): chr12:132,625,728, C>T on the plus strand (G>A on the coding strand, the complement: POLE is on the minus strand). VCF-style: chr12-132625728-C-T. GRCh37 (hg19) VCF-style: chr12-133202314-C-T.
Other names: short protein forms A2192T.
Identifiers: ClinVar variation 3935638 (VCV003935638.1).